The following is an entry in ClinVar:

ClinVar aggregate classification (germline): Likely benign. Review status: criteria provided, multiple submitters, no conflicts (2 of 4 stars). 6 submissions from 6 submitters: Likely benign (3). 3 of the submissions do not count toward it. Last evaluated 2026-01-26.

Conditions:
VPS13A-related neurodegenerative disease. Also called: ACANTHOCYTOSIS WITH NEUROLOGIC DISORDER; Choreoacanthocytosis; Chorea-acanthocytosis; Choreaacanthocytosis; LEVINE-CRITCHLEY SYNDROME; VPS13A Disease. Identifiers: Orphanet 2388, MedGen C0393576, MONDO:0008695, OMIM 200150.

Allele frequency attached by ClinVar (database versions not stated): gnomAD 0.00025 and 0.00026; TOPMed 0.00026; 1000 Genomes Project 30x 0.00031; ESP Exome Variant Server 0.00031; gnomAD exomes 0.00033; ExAC 0.00036; 1000 Genomes Project 0.00040.
gnomAD v4.1: 490 of 1,613,652 alleles (0.03%); highest among the groups gnomAD compares: Non-Finnish European, 0.038%; no homozygotes.

Submissions (6):

Labcorp Genetics (formerly Invitae), Labcorp
Classification: Likely benign. Last evaluated: 2026-01-26. Review status: criteria provided, single submitter. Criteria: Invitae Variant Classification Sherloc (09022015). Collection method: clinical testing. Allele origin: germline.

Blueprint Genetics
Classification: Likely benign. Last evaluated: 2024-11-22. Review status: criteria provided, single submitter. Criteria: ACMG Guidelines, 2015. Collection method: clinical testing. Allele origin: germline.

CeGaT Center for Human Genetics Tuebingen
Classification: Likely benign. Last evaluated: 2023-10-01. Review status: criteria provided, single submitter. Criteria: CeGaT Center For Human Genetics Tuebingen Variant Classification Criteria Version 2. Collection method: clinical testing. Allele origin: germline. Affected: yes. Observed: 1 variant allele.
Comment: VPS13A: BP4, BP7

Natera, Inc.
Classification: Likely benign for Choreaacanthocytosis. Last evaluated: 2020-04-13. Review status: no assertion criteria provided. Collection method: clinical testing. Allele origin: germline. Not counted in ClinVar's aggregate classification.

Clinical Genetics DNA and cytogenetics Diagnostics Lab, Erasmus MC, Erasmus Medical Center
Classification: Likely benign. Review status: no assertion criteria provided. Collection method: clinical testing. Allele origin: germline. Affected: yes. Study: VKGL Data-share Consensus. Not counted in ClinVar's aggregate classification.

Genome Diagnostics Laboratory, Amsterdam University Medical Center
Classification: Likely benign. Review status: no assertion criteria provided. Collection method: clinical testing. Allele origin: germline. Affected: yes. Study: VKGL Data-share Consensus. Not counted in ClinVar's aggregate classification.

NM_033305.3(VPS13A):c.516G>A (p.Pro172=)

Gene: VPS13A (vacuolar protein sorting 13 homolog A; plus strand). Cytogenetic location: 9q21.2.
Variant type: single nucleotide variant.
Coding change: c.516G>A on transcript NM_033305.3 (MANE Select); coding-DNA position 516, G replaced by A.
Protein change: p.Pro172=; no amino-acid change (proline 172 retained).
Molecular consequence: synonymous variant.
Genome position (GRCh38, 1-based): chr9:77,210,636, G>A. VCF-style: chr9-77210636-G-A. GRCh37 (hg19) VCF-style: chr9-79825552-G-A.
Other names: c.516G>A, p.Pro172= (NM_001018037.2, NM_001018038.3, NM_015186.4).
Identifiers: ClinVar variation 697690 (VCV000697690.39), dbSNP rs141109675, ClinGen allele CA5091372.